The following is an entry in ClinVar:

ClinVar aggregate classification (germline): Pathogenic (1 of 4 stars; one submission).

Conditions:
Failure to thrive. Also called: Pediatric failure to thrive. Identifiers: MedGen C2315100, HP:0001508.
Pectus excavatum. Also called: funnel chest. Identifiers: MedGen C2051831, MONDO:0008213, OMIM 169300, HP:0000767.
Ptosis. Also called: Ptosis (disease). Identifiers: MedGen C0005745, MONDO:0000728, HP:0000508.
Moderate intellectual disability. Also called: Moderae intellectual disability; Moderate ID. Identifiers: MedGen C0026351, HP:0002342.
Generalized hypotonia. Identifiers: MedGen C1858120, HP:0001290.

Submission:

Groupe Hospitalier Pitie Salpetriere, Uf Genomique Du Developpement, Assistance Publique Hopitaux de Paris Sorbonne Université
Classification: Pathogenic for Moderate intellectual disability; Generalized hypotonia; Ptosis; Failure to thrive; Pectus excavatum. Last evaluated: 2018-11-06. Review status: criteria provided, single submitter. Criteria: ACMG Guidelines, 2015. Collection method: clinical testing. Allele origin: de novo. Inheritance: Autosomal dominant inheritance. Affected: yes. Observed: 1 heterozygote.
Comment: Truncating + de novo (PVS + PS according to the ACMG criteria)

NM_001378418.1(TCF20):c.3605dup (p.Pro1203fs)

Gene: TCF20 (transcription factor 20; minus strand). Cytogenetic location: 22q13.2.
Variant type: Duplication.
Coding change: c.3605dup on transcript NM_001378418.1 (MANE Select); coding-DNA position 3605, one base duplicated (G; older notation c.3605dupG).
Protein change: p.Pro1203fs; shifts the reading frame from proline 1203.
Molecular consequence: frameshift variant.
Genome position (GRCh38, 1-based): chr22:42,211,701, C duplicated on the plus strand (G on the coding strand, the reverse complement: TCF20 is on the minus strand); the first of 2 consecutive C bases (chr22:42,211,701-42,211,702); duplicating either gives the same sequence. VCF-style (leftmost placement, unchanged base first): chr22-42211700-A-AC. GRCh37 (hg19) VCF-style: chr22-42607706-A-AC.
Other names: c.3605dup, p.Pro1203fs (NM_005650.4, NM_181492.3); short protein forms P1203fs.
Identifiers: ClinVar variation 590777 (VCV000590777.4), dbSNP rs1569146993, ClinGen allele CA913190471.